The following is an entry in ClinVar:

ClinVar aggregate classification (germline): Uncertain significance (1 of 4 stars; one submission).

gnomAD v4.1: 1 of 1,613,302 alleles (0.000062%); highest among the groups gnomAD compares: Non-Finnish European, 0.000085%; no homozygotes.

Submission:

Labcorp Genetics (formerly Invitae), Labcorp
Classification: Uncertain significance. Last evaluated: 2025-04-02. Review status: criteria provided, single submitter. Criteria: Invitae Variant Classification Sherloc (09022015). Collection method: clinical testing. Allele origin: germline.
Comment: This sequence change replaces glycine, which is neutral and non-polar, with arginine, which is basic and polar, at codon 79 of the PPCS protein (p.Gly79Arg). This variant is not present in population databases (gnomAD no frequency). This variant has not been reported in the literature in individuals affected with PPCS-related conditions. ClinVar contains an entry for this variant (Variation ID: 1957344). Invitae Evidence Modeling of protein sequence and biophysical properties (such as structural, functional, and spatial information, amino acid conservation, physicochemical variation, residue mobility, and thermodynamic stability) indicates that this missense variant is not expected to disrupt PPCS protein function with a negative predictive value of 80%. In summary, the available evidence is currently insufficient to determine the role of this variant in disease. Therefore, it has been classified as a Variant of Uncertain Significance.

NM_024664.4(PPCS):c.235G>A (p.Gly79Arg)

Genes: CCDC30 (coiled-coil domain containing 30; plus strand), PPCS (phosphopantothenoylcysteine synthetase; plus strand), LOC129930344 (ATAC-STARR-seq lymphoblastoid active region 894; plus strand). Cytogenetic location: 1p34.2.
Variant type: single nucleotide variant.
Coding change: c.235G>A on transcript NM_024664.4 (MANE Select); coding-DNA position 235, G replaced by A.
Protein change: p.Gly79Arg; replaces glycine 79 with arginine.
Molecular consequence: missense variant. On other transcripts: 5 prime UTR variant (1), intron variant (6).
Genome position (GRCh38, 1-based): chr1:42,456,800, G>A. VCF-style: chr1-42456800-G-A. GRCh37 (hg19) VCF-style: chr1-42922471-G-A.
Other names: c.-458G>A (NM_001287510.2); c.235G>A, p.Gly79Arg (NM_001287511.2); c.-984+301G>A (NM_001355226.2); c.-328+301G>A (NM_001287507.1); c.-12+301G>A (NM_001287506.1); c.-12+76G>A (NM_001287508.2); c.-12+172G>A (NM_001077447.3); c.-12+217G>A (NM_001287509.2); short protein forms G79R.
Identifiers: ClinVar variation 1957344 (VCV001957344.5), dbSNP rs1482161724, ClinGen allele CA339944350.
Genomic context (GRCh38, chr1:42,456,800, plus strand): 5'-AACTTCAGCAGCGGGCGGCGCGGTGCAACCTCGGCCGAGGCCTTCCTAGCCGCCGGCTAC[G>A]GGGTCCTGTTCTTGTATCGCGCTCGCTCTGCCTTCCCCTATGCCCACCGCTTCCCACCCC-3'
Protein context (NP_078940.2, residues 69-89): SAEAFLAAGY[Gly79Arg]VLFLYRARSA